The following is an entry in ClinVar:

NM_004360.5(CDH1):c.2056_2059del (p.Cys686fs)

Gene: CDH1 (cadherin 1; plus strand). Cytogenetic location: 16q22.1.
Variant type: Microsatellite.
Coding change: c.2056_2059del on transcript NM_004360.5 (MANE Select); coding-DNA positions 2056 to 2059, 4 bases deleted (TGTG; older notation c.2056_2059delTGTG).
Protein change: p.Cys686fs; shifts the reading frame from cysteine 686.
Molecular consequence: frameshift variant.
Genome position (GRCh38, 1-based): chr16:68,823,518-68,823,521, TGTG deleted; deleting any 4 consecutive bases within chr16:68,823,515-68,823,521 gives the same sequence; the c. name uses the placement nearest the transcript's 3' end. VCF-style (leftmost placement, unchanged base first): chr16-68823514-CGTGT-C. GRCh37 (hg19) VCF-style: chr16-68857417-CGTGT-C.
Other names: c.1873_1876del, p.Cys625fs (NM_001317184.2); c.508_511del, p.Cys170fs (NM_001317185.2); c.91_94del, p.Cys31fs (NM_001317186.2); c.2054_2055TG[1], p.Cys686Thrfs (NM_004360.3); c.2056_2059delTGTG (NM_004360.3); short protein forms C170fs, C31fs, C686fs, C625fs.
Identifiers: ClinVar variation 1785128 (VCV001785128.2), dbSNP rs2543945754, ClinGen allele CA2580612884.

ClinVar aggregate classification (germline): Pathogenic (1 of 4 stars; one submission).

Conditions:
Hereditary cancer-predisposing syndrome. Also called: Neoplastic Syndromes, Hereditary; Tumor predisposition; Hereditary Cancer Syndrome; Hereditary neoplastic syndrome. Identifiers: Orphanet 140162, MedGen C0027672, MeSH D009386, MONDO:0015356.

Submission:

Ambry Genetics
Classification: Pathogenic for Hereditary cancer-predisposing syndrome. Last evaluated: 2021-03-17. Review status: criteria provided, single submitter. Criteria: Ambry Variant Classification Scheme 2023. Collection method: clinical testing. Allele origin: germline.
Comment: The c.2056_2059delTGTG pathogenic mutation, located in coding exon 13 of the CDH1 gene, results from a deletion of 4 nucleotides at nucleotide positions 2056 to 2059, causing a translational frameshift with a predicted alternate stop codon (p.C686Tfs*35). This alteration is expected to result in loss of function by premature protein truncation or nonsense-mediated mRNA decay. As such, this alteration is interpreted as a disease-causing mutation.